The following is an entry in ClinVar:

ClinVar aggregate classification (germline): Pathogenic (1 of 4 stars; one submission).

Conditions:
Ciliopathy. Also called: Ciliopathies. Identifiers: Orphanet 363250, MedGen C4277690, MONDO:0005308, MeSH D000072661.

Submission:

Myriad Genetics, Inc.
Classification: Pathogenic for Ciliopathy. Last evaluated: 2024-04-22. Review status: criteria provided, single submitter. Criteria: Myriad Autosomal Dominant, Autosomal Recessive and X-Linked Classification Criteria (2023). Collection method: clinical testing. Allele origin: unknown.
Comment: NM_017777.3(MKS1):c.145_147delAAGinsGA(K49Efs*4) is expected to be pathogenic in the context of MKS1-related disorders. This variant is predicted to lead to an abnormal or absent protein product due to the creation of a premature termination codon in MKS1, a gene where loss-of-function variants are known to be pathogenic. Please note: this variant was assessed in the context of healthy population screening.

NM_017777.4(MKS1):c.145_147delinsGA (p.Lys49fs)

Gene: MKS1 (MKS transition zone complex subunit 1; minus strand). Cytogenetic location: 17q22.
Variant type: Indel.
Coding change: c.145_147delinsGA on transcript NM_017777.4 (MANE Select); coding-DNA positions 145 to 147, AAG replaced by GA.
Protein change: p.Lys49fs; shifts the reading frame from lysine 49.
Molecular consequence: frameshift variant. On other transcripts: 5 prime UTR variant (1).
Genome position (GRCh38, 1-based): chr17:58,218,663-58,218,665, CTT replaced by TC on the plus strand (AAG replaced by GA on the coding strand, the reverse complement: MKS1 is on the minus strand). VCF-style: chr17-58218663-CTT-TC. GRCh37 (hg19) VCF-style: chr17-56296024-CTT-TC.
Other names: c.-367_-365delinsGA (NM_001321268.2); c.145_147delinsGA, p.Lys49fs (NM_001321269.2, NM_001330397.2, NM_001411113.1); short protein forms K49fs.
Identifiers: ClinVar variation 5012939 (VCV005012939.1).